The following is an entry in ClinVar:

NM_001148.6(ANK2):c.2712C>T (p.Ser904=)

Gene: ANK2 (ankyrin 2; plus strand). Cytogenetic location: 4q26.
Variant type: single nucleotide variant.
Coding change: c.2712C>T on transcript NM_001148.6 (MANE Select); coding-DNA position 2712, C replaced by T.
Protein change: p.Ser904=; no amino-acid change (serine 904 retained).
Molecular consequence: synonymous variant.
Genome position (GRCh38, 1-based): chr4:113,317,725, C>T. VCF-style: chr4-113317725-C-T. GRCh37 (hg19) VCF-style: chr4-114238881-C-T.
Other names: c.2649C>T, p.Ser883= (NM_001127493.3, NM_001354243.2, NM_001354255.2 and 3 more transcripts); c.2724C>T, p.Ser908= (NM_001354225.2); c.2712C>T, p.Ser904= (NM_001354228.2, NM_001354232.2, NM_001354258.2 and 1 more transcripts); c.2754C>T, p.Ser918= (NM_001354230.2, NM_001354231.2, NM_001354237.2 and 1 more transcripts); c.2709C>T, p.Ser903= (NM_001354235.2, NM_001354236.2, NM_001354246.2 and 1 more transcripts); c.2646C>T, p.Ser882= (NM_001354239.2, NM_001354244.2, NM_001354252.2 and 3 more transcripts); c.2757C>T, p.Ser919= (NM_001354240.2, NM_001354241.2, NM_001386144.1); c.2613C>T, p.Ser871= (NM_001354245.2, NM_001354268.2); and 17 more.
Identifiers: ClinVar variation 264572 (VCV000264572.15), dbSNP rs149310669, ClinGen allele CA3050646.

ClinVar aggregate classification (germline): Benign/Likely benign. Review status: criteria provided, multiple submitters, no conflicts (2 of 4 stars). 5 submissions from 5 submitters: Benign (3); Likely benign (2). Last evaluated 2026-01-13.

Conditions:
Cardiovascular phenotype. Identifiers: MedGen CN230736.
Cardiac arrhythmia, ankyrin-B-related. Also called: ANKYRIN-B SYNDROME. Identifiers: Orphanet 101016, Orphanet 768, MedGen C1970119, MONDO:0010958, OMIM 600919.
Long QT syndrome (LQTS). Identifiers: MedGen C0023976, MeSH D008133, MONDO:0002442. Disease mechanism: loss of function. Inheritance: Various modes of inheritance.

Allele frequency attached by ClinVar (database versions not stated): gnomAD 0.00009; TOPMed 0.00012; ESP Exome Variant Server 0.00031.
gnomAD v4.1: 53 of 1,613,904 alleles (0.0033%); highest among the groups gnomAD compares: Middle Eastern, 0.22%; 1 homozygote.

Submissions (5):

Labcorp Genetics (formerly Invitae), Labcorp
Classification: Likely benign for Long QT syndrome. Last evaluated: 2026-01-13. Review status: criteria provided, single submitter. Criteria: Invitae Variant Classification Sherloc (09022015). Collection method: clinical testing. Allele origin: germline.

Genome-Nilou Lab
Classification: Benign for Cardiac arrhythmia, ankyrin-B-related. Last evaluated: 2021-12-05. Review status: criteria provided, single submitter. Criteria: ACMG Guidelines, 2015. Collection method: clinical testing. Allele origin: germline. Affected: no.

Women's Health and Genetics/Laboratory Corporation of America, LabCorp
Classification: Benign. Last evaluated: 2016-12-19. Review status: criteria provided, single submitter. Criteria: LabCorp Variant Classification Summary - May 2015. Collection method: clinical testing. Allele origin: germline.
Comment: Variant summary: The ANK2 c.2712C>T (p.Ser904Ser) variant involves the alteration of a non-conserved nucleotide, resulting in a synonymous change. One in silico tool predicts a damaging outcome for this variant. 3/5 splice prediction tools predict no significant impact on normal splicing. However, these predictions have yet to be confirmed by functional studies. This variant was found in 9/121180 control chromosomes at a frequency of 0.0000743, which is approximately 7 times the estimated maximal expected allele frequency of a pathogenic ANK2 variant (0.00001), suggesting this variant is likely a benign polymorphism. In addition, one clinical diagnostic laboratory/reputable database has classified this variant as likely benign. The variant of interest has not, to our knowledge, been reported in affected individuals via publications; nor evaluated for functional impact by in vivo/vitro studies. Taken together, this variant is classified as benign.

Ambry Genetics
Classification: Likely benign for Cardiovascular phenotype. Last evaluated: 2015-12-24. Review status: criteria provided, single submitter. Criteria: Ambry Variant Classification Scheme 2023. Collection method: clinical testing. Allele origin: germline.

GeneDx
Classification: Benign. Last evaluated: 2015-03-03. Review status: criteria provided, single submitter. Criteria: GeneDx Variant Classification Process June 2021. Collection method: clinical testing. Allele origin: germline. Affected: yes.